The following is an entry in ClinVar:

NM_005219.5(DIAPH1):c.818A>G (p.Glu273Gly)

Gene: DIAPH1 (diaphanous related formin 1; minus strand). Cytogenetic location: 5q31.3.
Variant type: single nucleotide variant.
Coding change: c.818A>G on transcript NM_005219.5 (MANE Select); coding-DNA position 818, A replaced by G.
Protein change: p.Glu273Gly; replaces glutamic acid 273 with glycine.
Molecular consequence: missense variant.
Genome position (GRCh38, 1-based): chr5:141,580,750, T>C on the plus strand (A>G on the coding strand, the complement: DIAPH1 is on the minus strand). VCF-style: chr5-141580750-T-C. GRCh37 (hg19) VCF-style: chr5-140960317-T-C.
Other names: c.791A>G, p.Glu264Gly (NM_001079812.3); c.818A>G, p.Glu273Gly (NM_001314007.2); short protein forms E264G, E273G.
Identifiers: ClinVar variation 1004553 (VCV001004553.9), dbSNP rs756921782, ClinGen allele CA3479483.

ClinVar aggregate classification (germline): Uncertain significance (1 of 4 stars; one submission).

Conditions:
Progressive microcephaly-seizures-cortical blindness-developmental delay syndrome. Also called: Seizures, cortical blindness, and microcephaly syndrome. Identifiers: Orphanet 477814, MedGen C5567650, MONDO:0014714, OMIM 616632.
Autosomal dominant nonsyndromic hearing loss 1. Also called: KONIGSMARK SYNDROME; DEAFNESS, AUTOSOMAL DOMINANT 1, WITH OR WITHOUT THROMBOCYTOPENIA. Identifiers: Orphanet 90635, MedGen C1852282, MONDO:0007424, OMIM 124900.

Allele frequency attached by ClinVar (database versions not stated): gnomAD exomes below 0.00001; ExAC 0.00001; gnomAD 0.00004; TOPMed 0.00006.
gnomAD v4.1: 10 of 1,613,936 alleles (0.00062%); highest among the groups gnomAD compares: African/African-American, 0.013%; no homozygotes.

Submission:

Labcorp Genetics (formerly Invitae), Labcorp
Classification: Uncertain significance for Progressive microcephaly-seizures-cortical blindness-developmental delay syndrome; Autosomal dominant nonsyndromic hearing loss 1. Last evaluated: 2025-08-04. Review status: criteria provided, single submitter. Criteria: Invitae Variant Classification Sherloc (09022015). Collection method: clinical testing. Allele origin: germline.
Comment: This sequence change replaces glutamic acid, which is acidic and polar, with glycine, which is neutral and non-polar, at codon 273 of the DIAPH1 protein (p.Glu273Gly). This variant is present in population databases (rs756921782, gnomAD 0.008%). This variant has not been reported in the literature in individuals affected with DIAPH1-related conditions. ClinVar contains an entry for this variant (Variation ID: 1004553). Experimental studies and prediction algorithms are not available or were not evaluated, and the functional significance of this variant is currently unknown. In summary, the available evidence is currently insufficient to determine the role of this variant in disease. Therefore, it has been classified as a Variant of Uncertain Significance.